The following is an entry in ClinVar:

NM_000297.4(PKD2):c.1095-2A>C

Gene: PKD2 (polycystin 2, transient receptor potential cation channel; plus strand). Cytogenetic location: 4q22.1.
Variant type: single nucleotide variant.
Coding change: c.1095-2A>C on transcript NM_000297.4 (MANE Select); the canonical splice acceptor site of the intron before coding-DNA position 1095, A replaced by C.
Molecular consequence: splice acceptor variant.
Genome position (GRCh38, 1-based): chr4:88,043,231, A>C. VCF-style: chr4-88043231-A-C. GRCh37 (hg19) VCF-style: chr4-88964383-A-C.
Identifiers: ClinVar variation 3907681 (VCV003907681.1).

ClinVar aggregate classification (germline): Likely pathogenic (1 of 4 stars; one submission).

Conditions:
Polycystic kidney disease 2 (PKD2). Also called: Polycystic Kidney Disease 2, Autosomal Dominant; POLYCYSTIC KIDNEY DISEASE, ADULT, TYPE II; POLYCYSTIC KIDNEY DISEASE 2 WITH OR WITHOUT POLYCYSTIC LIVER DISEASE. Identifiers: MedGen C2751306, MONDO:0013131, OMIM 613095.

Submission:

MVZ Medizinische Genetik Mainz
Classification: Likely pathogenic for Polycystic kidney disease 2. Last evaluated: 2025-05-28. Review status: criteria provided, single submitter. Criteria: UK Practice Guidelines For Variant Classification V4 01 2020. Collection method: clinical testing. Allele origin: germline. Inheritance: Autosomal dominant inheritance. Affected: yes. Observed: 1 variant allele.
Comment: ACMG Criteria: PS1,PVS1_MOD,PM2_SUP,PP4